The following is an entry in ClinVar:

ClinVar aggregate classification (germline): Uncertain significance (1 of 4 stars; one submission).

gnomAD v4.1: 3 of 1,611,858 alleles (0.00019%); highest among the groups gnomAD compares: Non-Finnish European, 0.00025%; no homozygotes.

Submission:

CeGaT Center for Human Genetics Tuebingen
Classification: Uncertain significance. Last evaluated: 2023-12-01. Review status: criteria provided, single submitter. Criteria: CeGaT Center For Human Genetics Tuebingen Variant Classification Criteria Version 2. Collection method: clinical testing. Allele origin: germline. Affected: yes. Observed: 1 variant allele.
Comment: ARID2: PM2, PP2

NM_152641.4(ARID2):c.461C>G (p.Ser154Trp)

Gene: ARID2 (AT-rich interaction domain 2; plus strand). Cytogenetic location: 12q12.
Variant type: single nucleotide variant.
Coding change: c.461C>G on transcript NM_152641.4 (MANE Select); coding-DNA position 461, C replaced by G.
Protein change: p.Ser154Trp; replaces serine 154 with tryptophan.
Molecular consequence: missense variant.
Genome position (GRCh38, 1-based): chr12:45,817,712, C>G. VCF-style: chr12-45817712-C-G. GRCh37 (hg19) VCF-style: chr12-46211495-C-G.
Other names: c.461C>G, p.Ser154Trp (NM_001347839.2); short protein forms S154W.
Identifiers: ClinVar variation 3025082 (VCV003025082.22), dbSNP rs554503964, ClinGen allele CA384610619.